The following is an entry in ClinVar:

ClinVar aggregate classification (germline): Conflicting classifications of pathogenicity. Review status: criteria provided, conflicting classifications (1 of 4 stars). 3 submissions from 3 submitters: Likely pathogenic (2); Uncertain significance (1). Last evaluated 2025-08-21.

Allele frequency attached by ClinVar (database versions not stated): gnomAD 0.00001.
gnomAD v4.1: 2 of 1,613,596 alleles (0.00012%); no homozygotes.

Submissions (3):

GeneDx
Classification: Uncertain significance. Last evaluated: 2025-08-21. Review status: criteria provided, single submitter. Criteria: GeneDx Variant Classification Process June 2021. Collection method: clinical testing. Allele origin: germline. Affected: yes.
Comment: Not observed at significant frequency in large population cohorts (gnomAD); Has not been previously published as pathogenic or benign to our knowledge; Canonical splice site variant in a gene for which loss-of-function is not a known mechanism of disease

Labcorp Genetics (formerly Invitae), Labcorp
Classification: Likely pathogenic. Last evaluated: 2022-08-01. Review status: criteria provided, single submitter. Criteria: Invitae Variant Classification Sherloc (09022015). Collection method: clinical testing. Allele origin: germline.
Comment: In summary, the currently available evidence indicates that the variant is pathogenic, but additional data are needed to prove that conclusively. Therefore, this variant has been classified as Likely Pathogenic. Algorithms developed to predict the effect of sequence changes on RNA splicing suggest that this variant may disrupt the consensus splice site. ClinVar contains an entry for this variant (Variation ID: 252535). Disruption of this splice site has been observed in individual(s) with clinical features of Ghosal hematodiaphyseal dysplasia (Invitae). This variant is present in population databases (no rsID available, gnomAD no frequency). This sequence change affects an acceptor splice site in intron 1 of the TBXAS1 gene. It is expected to disrupt RNA splicing. Variants that disrupt the donor or acceptor splice site typically lead to a loss of protein function (PMID: 16199547), and loss-of-function variants in TBXAS1 are known to be pathogenic (PMID: 22735388).

Genomic Diagnostic Laboratory, Division of Genomic Diagnostics, Children's Hospital of Philadelphia
Classification: Likely pathogenic. Last evaluated: 2015-11-30. Review status: criteria provided, single submitter. Criteria: DGD Variant Analysis Guidelines. Collection method: clinical testing. Allele origin: unknown.

Literature cited by the submitters: PubMed 16199547 (cited by Labcorp Genetics (formerly Invitae), Labcorp); PubMed 22735388 (cited by Labcorp Genetics (formerly Invitae), Labcorp).

NM_001061.7(TBXAS1):c.90-1G>C

Gene: TBXAS1 (thromboxane A synthase 1; plus strand). Cytogenetic location: 7q34.
Variant type: single nucleotide variant.
Coding change: c.90-1G>C on transcript NM_001061.7 (MANE Select); the canonical splice acceptor site of the intron before coding-DNA position 90, G replaced by C.
Molecular consequence: splice acceptor variant.
Genome position (GRCh38, 1-based): chr7:139,872,234, G>C. VCF-style: chr7-139872234-G-C. GRCh37 (hg19) VCF-style: chr7-139572033-G-C.
Other names: c.90-1G>C (NM_001130966.5, NM_001166253.4, NM_030984.6 and 1 more transcripts); c.-112-1G>C (NM_001166254.4); c.4-1G>C (NM_001314028.4, NM_001366537.3).
Identifiers: ClinVar variation 252535 (VCV000252535.8), dbSNP rs765686939, ClinGen allele CA10585995.